The following is an entry in ClinVar:

NM_003070.5(SMARCA2):c.957C>G (p.Leu319=)

Gene: SMARCA2 (SWI/SNF related BAF chromatin remodeling complex subunit ATPase 2; plus strand). Cytogenetic location: 9p24.3.
Variant type: single nucleotide variant.
Coding change: c.957C>G on transcript NM_003070.5 (MANE Select); coding-DNA position 957, C replaced by G.
Protein change: p.Leu319=; no amino-acid change (leucine 319 retained).
Molecular consequence: synonymous variant.
Genome position (GRCh38, 1-based): chr9:2,047,395, C>G. VCF-style: chr9-2047395-C-G. GRCh37 (hg19) VCF-style: chr9-2047395-C-G.
Other names: c.957C>G, p.Leu319= (NM_001289396.2, NM_001289397.2, NM_139045.4).
Identifiers: ClinVar variation 913316 (VCV000913316.6), dbSNP rs368952400, ClinGen allele CA4963025.

ClinVar aggregate classification (germline): Benign/Likely benign. Review status: criteria provided, multiple submitters, no conflicts (2 of 4 stars). 2 submissions from 2 submitters: Benign (1); Likely benign (1). Last evaluated 2025-09-01.

Conditions:
Nicolaides-Baraitser syndrome (NCBRS). Also called: SMARCA2-Related Nicolaides-Baraitser Syndrome; Intellectual disability-sparse hair-brachydactyly syndrome. Identifiers: Orphanet 3051, MedGen C1303073, MONDO:0011053, OMIM 601358.

Allele frequency attached by ClinVar (database versions not stated): TOPMed 0.00006; gnomAD exomes below 0.00001 and 0.00002; ESP Exome Variant Server 0.00015; 1000 Genomes Project 30x 0.00016; 1000 Genomes Project 0.00020; ExAC 0.00006; gnomAD 0.00009.
gnomAD v4.1: 16 of 1,588,568 alleles (0.001%); highest among the groups gnomAD compares: African/African-American, 0.022%; no homozygotes.

Submissions (2):

Labcorp Genetics (formerly Invitae), Labcorp
Classification: Benign. Last evaluated: 2025-09-01. Review status: criteria provided, single submitter. Criteria: Invitae Variant Classification Sherloc (09022015). Collection method: clinical testing. Allele origin: germline.

Illumina Laboratory Services, Illumina
Classification: Likely benign for Nicolaides-Baraitser syndrome. Last evaluated: 2018-01-13. Review status: criteria provided, single submitter. Criteria: ICSL Variant Classification Criteria 13 December 2019. Collection method: clinical testing. Allele origin: germline.
Comment: This variant was observed in the ICSL laboratory as part of a predisposition screen in an ostensibly healthy population. It had not been previously curated by ICSL or reported in the Human Gene Mutation Database (HGMD: prior to June 1st, 2018), and was therefore a candidate for classification through an automated scoring system. Utilizing variant allele frequency, disease prevalence and penetrance estimates, and inheritance mode, an automated score was calculated to assess if this variant is too frequent to cause the disease. Based on the score and internal cut-off values, a variant classified as likely benign is not then subjected to further curation. The score for this variant resulted in a classification of likely benign for this disease.